The following is an entry in ClinVar:

NM_001101426.4(CRPPA):c.*2981C>T

Gene: CRPPA (CDP-L-ribitol pyrophosphorylase A; minus strand). Cytogenetic location: 7p21.2.
Variant type: single nucleotide variant.
Coding change: c.*2981C>T on transcript NM_001101426.4 (MANE Select); 2981 bases downstream of the stop codon, C replaced by T.
Molecular consequence: 3 prime UTR variant. On other transcripts: non-coding transcript variant (1).
Genome position (GRCh38, 1-based): chr7:16,088,714, G>A on the plus strand (C>T on the coding strand, the complement: CRPPA is on the minus strand). VCF-style: chr7-16088714-G-A. GRCh37 (hg19) VCF-style: chr7-16128339-G-A.
Other names: c.*2981C>T (NM_001101417.4, NM_001368197.1).
Identifiers: ClinVar variation 911693 (VCV000911693.4), dbSNP rs113434115, ClinGen allele CA154724215.

ClinVar aggregate classification (germline): Likely benign (1 of 4 stars; one submission).

Conditions:
Congenital Muscular Dystrophy, alpha-dystroglycan related.

Allele frequency attached by ClinVar (database versions not stated): gnomAD 0.00311 and 0.00327; TOPMed 0.00336; 1000 Genomes Project 0.00379; 1000 Genomes Project 30x 0.00406.

Submission:

Illumina Laboratory Services, Illumina
Classification: Likely benign for Congenital Muscular Dystrophy, alpha-dystroglycan related. Last evaluated: 2018-01-12. Review status: criteria provided, single submitter. Criteria: ICSL Variant Classification Criteria 13 December 2019. Collection method: clinical testing. Allele origin: germline.
Comment: This variant was observed in the ICSL laboratory as part of a predisposition screen in an ostensibly healthy population. It had not been previously curated by ICSL or reported in the Human Gene Mutation Database (HGMD: prior to June 1st, 2018), and was therefore a candidate for classification through an automated scoring system. Utilizing variant allele frequency, disease prevalence and penetrance estimates, and inheritance mode, an automated score was calculated to assess if this variant is too frequent to cause the disease. Based on the score and internal cut-off values, a variant classified as likely benign is not then subjected to further curation. The score for this variant resulted in a classification of likely benign for this disease.